The following is an entry in ClinVar:

ClinVar aggregate classification (germline): Uncertain significance (1 of 4 stars; one submission).

Conditions:
Inborn genetic diseases. Identifiers: MedGen C0950123, MeSH D030342.

Submission:

Ambry Genetics
Classification: Uncertain significance for Inborn genetic diseases. Last evaluated: 2026-06-22. Review status: criteria provided, single submitter. Criteria: Ambry Variant Classification Scheme 2023. Collection method: clinical testing. Allele origin: germline.
Comment: The p.P77T variant (also known as c.229C>A), located in coding exon 1 of the KDM1A gene, results from a C to A substitution at nucleotide position 229. The proline at codon 77 is replaced by threonine, an amino acid with highly similar properties. This amino acid position is conserved. In addition, this alteration is predicted to be tolerated by in silico analysis. Based on the available evidence, the clinical significance of this variant remains unclear.

NM_001009999.3(KDM1A):c.229C>A (p.Pro77Thr)

Gene: KDM1A (lysine demethylase 1A; plus strand). Cytogenetic location: 1p36.12.
Variant type: single nucleotide variant.
Coding change: c.229C>A on transcript NM_001009999.3 (MANE Select); coding-DNA position 229, C replaced by A.
Protein change: p.Pro77Thr; replaces proline 77 with threonine.
Molecular consequence: missense variant.
Genome position (GRCh38, 1-based): chr1:23,019,825, C>A. VCF-style: chr1-23019825-C-A. GRCh37 (hg19) VCF-style: chr1-23346318-C-A.
Other names: c.229C>A, p.Pro77Thr (NM_001363654.2, NM_001410762.1, NM_001410763.1 and 1 more transcripts); short protein forms P77T.
Identifiers: ClinVar variation 3532994 (VCV003532994.2).